The following is an entry in ClinVar:

NM_001360.3(DHCR7):c.413-1G>T

Gene: DHCR7 (7-dehydrocholesterol reductase; minus strand). Cytogenetic location: 11q13.4.
Variant type: single nucleotide variant.
Coding change: c.413-1G>T on transcript NM_001360.3 (MANE Select); the canonical splice acceptor site of the intron before coding-DNA position 413, G replaced by T.
Molecular consequence: splice acceptor variant.
Genome position (GRCh38, 1-based): chr11:71,441,441, C>A on the plus strand (G>T on the coding strand, the complement: DHCR7 is on the minus strand). VCF-style: chr11-71441441-C-A. GRCh37 (hg19) VCF-style: chr11-71152487-C-A.
Other names: c.413-1G>T (NM_001425120.1, NM_001425109.1, NM_001163817.2 and 7 more transcripts); c.317-1G>T (NM_001425114.1, NM_001425116.1); c.353-1G>T (NM_001425113.1); c.449-1G>T (NM_001425108.1); c.239-1G>T (NM_001425117.1).
Identifiers: ClinVar variation 4814825 (VCV004814825.3).
Genomic context (GRCh38, chr11:71,441,441, plus strand): 5'-AGAGCAGGTGCGTGAGGAGCCAGGCTTGCAGGCCATTGATCTGATACTTGTTCACAACCC[C>A]TGCAGATGAAGGATTCAGAAATGAAGGCGCTTTCCCAACCCGCAGTGAGGAGCTTGGCTG-3'

ClinVar aggregate classification (germline): Likely pathogenic. Review status: criteria provided, multiple submitters, no conflicts (2 of 4 stars). 2 submissions from 2 submitters: Likely pathogenic (2). Last evaluated 2025-07-31.

Conditions:
Smith-Lemli-Opitz syndrome (SLOS). Also called: POLYDACTYLY, SEX REVERSAL, RENAL HYPOPLASIA, AND UNILOBAR LUNG; RSH SYNDROME; RUTLEDGE LETHAL MULTIPLE CONGENITAL ANOMALY SYNDROME; 7-Dehydrocholesterol reductase deficiency; LETHAL ACRODYSGENITAL SYNDROME. Identifiers: Orphanet 818, MedGen C0175694, MONDO:0010035, OMIM 270400.

Submissions (2):

Natera, Inc.
Classification: Likely pathogenic for Smith-Lemli-Opitz syndrome. Last evaluated: 2025-07-31. Review status: criteria provided, single submitter. Criteria: Natera Variant Classification Schema (03/2026). Collection method: clinical testing. Allele origin: germline.
Comment: The c.413-1G>T variant in DHCR7 is a canonical splice acceptor site variant predicted to affect pre-mRNA splicing, which may result in an abnormal transcript and altered protein product. This variant is expected to result in nonsense mediated decay, truncation, or a dysfunctional protein product. This variant is rare in the general population with a frequency below the threshold expected for the associated phenotype(s). Given the available evidence, this variant is classified as Likely Pathogenic.

Juno Genomics, Hangzhou Juno Genomics, Inc
Classification: Likely pathogenic for Smith-Lemli-Opitz syndrome. Review status: criteria provided, single submitter. Criteria: ACMG Guidelines, 2015. Collection method: clinical testing. Allele origin: germline.
Comment: Null variant in a gene where loss of function (LOF) is a known mechanism of disease.;Absent from controls (or at extremely low frequency if recessive) in Genome Aggregation Database.